The following is an entry in ClinVar:

ClinVar aggregate classification (germline): Uncertain significance (1 of 4 stars; one submission).

Submission:

Ambry Genetics
Classification: Uncertain significance. Last evaluated: 2024-07-23. Review status: criteria provided, single submitter. Criteria: Ambry Variant Classification Scheme 2023. Collection method: clinical testing. Allele origin: germline.
Comment: The p.R67L variant (also known as c.200G>T), located in coding exon 1 of the GALNT12 gene, results from a G to T substitution at nucleotide position 200. The arginine at codon 67 is replaced by leucine, an amino acid with dissimilar properties. This amino acid position is conserved. In addition, this alteration is predicted to be tolerated by in silico analysis. Based on the available evidence, the clinical significance of this variant remains unclear.

NM_024642.5(GALNT12):c.200G>T (p.Arg67Leu)

Gene: GALNT12 (polypeptide N-acetylgalactosaminyltransferase 12; plus strand). Cytogenetic location: 9q22.33.
Variant type: single nucleotide variant.
Coding change: c.200G>T on transcript NM_024642.5 (MANE Select); coding-DNA position 200, G replaced by T.
Protein change: p.Arg67Leu; replaces arginine 67 with leucine.
Molecular consequence: missense variant.
Genome position (GRCh38, 1-based): chr9:98,807,898, G>T. VCF-style: chr9-98807898-G-T. GRCh37 (hg19) VCF-style: chr9-101570180-G-T.
Other names: short protein forms R67L.
Identifiers: ClinVar variation 3518486 (VCV003518486.1).